The following is an entry in ClinVar:

NM_005912.3(MC4R):c.108T>G (p.Ser36=)

Gene: MC4R (melanocortin 4 receptor; minus strand). Cytogenetic location: 18q21.32.
Variant type: single nucleotide variant.
Coding change: c.108T>G on transcript NM_005912.3 (MANE Select); coding-DNA position 108, T replaced by G.
Protein change: p.Ser36=; no amino-acid change (serine 36 retained).
Molecular consequence: synonymous variant.
Genome position (GRCh38, 1-based): chr18:60,372,242, A>C on the plus strand (T>G on the coding strand, the complement: MC4R is on the minus strand). VCF-style: chr18-60372242-A-C. GRCh37 (hg19) VCF-style: chr18-58039475-A-C.
Identifiers: ClinVar variation 4995811 (VCV004995811.1).

ClinVar aggregate classification (germline): Likely benign (1 of 4 stars; one submission).

Conditions:
MC4R-related disorder. Also called: MC4R-related condition.

Submission:

PreventionGenetics, part of Exact Sciences
Classification: Likely benign for MC4R-related condition. Last evaluated: 2025-09-23. Review status: criteria provided, single submitter. Criteria: ACMG Guidelines, 2015. Collection method: clinical testing. Allele origin: germline.
Comment: This variant is classified as likely benign based on ACMG/AMP sequence variant interpretation guidelines (Richards et al. 2015 PMID: 25741868, with internal and published modifications).